The following is an entry in ClinVar:

NM_000168.6(GLI3):c.3478A>G (p.Ile1160Val)

Gene: GLI3 (GLI family zinc finger 3; minus strand). Cytogenetic location: 7p14.1.
Variant type: single nucleotide variant.
Coding change: c.3478A>G on transcript NM_000168.6 (MANE Select); coding-DNA position 3478, A replaced by G.
Protein change: p.Ile1160Val; replaces isoleucine 1160 with valine.
Molecular consequence: missense variant.
Genome position (GRCh38, 1-based): chr7:41,965,595, T>C on the plus strand (A>G on the coding strand, the complement: GLI3 is on the minus strand). VCF-style: chr7-41965595-T-C. GRCh37 (hg19) VCF-style: chr7-42005193-T-C.
Other names: short protein forms I1160V.
Identifiers: ClinVar variation 2504359 (VCV002504359.4), dbSNP rs2484372288, ClinGen allele CA367317956.

ClinVar aggregate classification (germline): Uncertain significance. Review status: criteria provided, multiple submitters, no conflicts (2 of 4 stars). 2 submissions from 2 submitters: Uncertain significance (2). Last evaluated 2024-06-18.

Conditions:
Pallister-Hall syndrome (PHS). Also called: HYPOTHALAMIC HAMARTOBLASTOMA, HYPOPITUITARISM, IMPERFORATE ANUS, AND POSTAXIAL POLYDACTYLY; GLI3-Related Pallister-Hall Syndrome. Identifiers: Orphanet 672, MedGen C0265220, MONDO:0007804, OMIM 146510.
Polysyndactyly 4. Also called: Polysyndactyly uncomplicated; Preaxial polydactyly 4. Identifiers: Orphanet 93338, MedGen C1868111, MONDO:0008272, OMIM 174700.
Greig cephalopolysyndactyly syndrome (GCPS). Also called: GLI3-Related Greig Cephalopolysyndactyly Syndrome; POLYSYNDACTYLY WITH PECULIAR SKULL SHAPE; Greig syndrome. Identifiers: Orphanet 380, MedGen C0265306, MONDO:0008287, OMIM 175700.
Polydactyly, postaxial, type A1. Identifiers: MedGen C4282400, MONDO:0008266, OMIM 174200.

Allele frequency attached by ClinVar (database versions not stated): gnomAD exomes below 0.00001.
gnomAD v4.1: 1 of 1,606,764 alleles (0.000062%); highest among the groups gnomAD compares: Non-Finnish European, 0.000085%; no homozygotes.

Submissions (2):

Fulgent Genetics
Classification: Uncertain significance for Pallister-Hall syndrome; Polydactyly, postaxial, type A1; Polysyndactyly 4; Greig cephalopolysyndactyly syndrome. Last evaluated: 2024-06-18. Review status: criteria provided, single submitter. Criteria: ACMG Guidelines, 2015. Collection method: clinical testing. Allele origin: germline.

GeneDx
Classification: Uncertain significance. Last evaluated: 2023-08-29. Review status: criteria provided, single submitter. Criteria: GeneDx Variant Classification Process June 2021. Collection method: clinical testing. Allele origin: germline. Affected: yes.
Comment: Not observed at significant frequency in large population cohorts (gnomAD); In silico analysis supports that this missense variant does not alter protein structure/function; Has not been previously published as pathogenic or benign to our knowledge